The following is an entry in ClinVar:

ClinVar aggregate classification (germline): Likely benign. Review status: criteria provided, multiple submitters, no conflicts (2 of 4 stars). 2 submissions from 2 submitters: Likely benign (2). Last evaluated 2025-02-19.

Conditions:
Familial hemiplegic migraine. Identifiers: MedGen C0338484, MONDO:0000700.

gnomAD v4.1: 3 of 1,614,220 alleles (0.00019%); highest among the groups gnomAD compares: Admixed American, 0.0017%; no homozygotes.

Submissions (2):

Labcorp Genetics (formerly Invitae), Labcorp
Classification: Likely benign for Familial hemiplegic migraine. Last evaluated: 2025-02-19. Review status: criteria provided, single submitter. Criteria: Invitae Variant Classification Sherloc (09022015). Collection method: clinical testing. Allele origin: germline.

GeneDx
Classification: Likely benign. Last evaluated: 2016-08-15. Review status: criteria provided, single submitter. Criteria: GeneDx Variant Classification (06012015). Collection method: clinical testing. Allele origin: germline. Affected: yes.
Comment: This variant is considered likely benign or benign based on one or more of the following criteria: it is a conservative change, it occurs at a poorly conserved position in the protein, it is predicted to be benign by multiple in silico algorithms, and/or has population frequency not consistent with disease.

NM_000702.4(ATP1A2):c.1962C>G (p.Pro654=)

Gene: ATP1A2 (ATPase Na+/K+ transporting subunit alpha 2; plus strand). Cytogenetic location: 1q23.2.
Variant type: single nucleotide variant.
Coding change: c.1962C>G on transcript NM_000702.4 (MANE Select); coding-DNA position 1962, C replaced by G.
Protein change: p.Pro654=; no amino-acid change (proline 654 retained).
Molecular consequence: synonymous variant.
Genome position (GRCh38, 1-based): chr1:160,134,618, C>G. VCF-style: chr1-160134618-C-G. GRCh37 (hg19) VCF-style: chr1-160104408-C-G.
Identifiers: ClinVar variation 388373 (VCV000388373.3), dbSNP rs1057523083, ClinGen allele CA16603467.